The following is an entry in ClinVar:

ClinVar aggregate classification (germline): Uncertain significance (1 of 4 stars; one submission).

Allele frequency attached by ClinVar (database versions not stated): gnomAD exomes below 0.00001 and 0.00001; ExAC 0.00003.
gnomAD v4.1: 4 of 1,600,406 alleles (0.00025%); highest among the groups gnomAD compares: Admixed American, 0.0017%; no homozygotes.

Submission:

Labcorp Genetics (formerly Invitae), Labcorp
Classification: Uncertain significance. Last evaluated: 2021-02-03. Review status: criteria provided, single submitter. Criteria: Invitae Variant Classification Sherloc (09022015). Collection method: clinical testing. Allele origin: germline.
Comment: In summary, the available evidence is currently insufficient to determine the role of this variant in disease. Therefore, it has been classified as a Variant of Uncertain Significance. Algorithms developed to predict the effect of missense changes on protein structure and function are either unavailable or do not agree on the potential impact of this missense change (SIFT: "Deleterious"; PolyPhen-2: "Not Available"; Align-GVGD: "Class C0"). This variant has not been reported in the literature in individuals with CDH23-related conditions. This variant is present in population databases (rs751501169, ExAC 0.03%). This sequence change replaces valine with methionine at codon 2855 of the CDH23 protein (p.Val2855Met). The valine residue is highly conserved and there is a small physicochemical difference between valine and methionine.

NM_022124.6(CDH23):c.8563G>A (p.Val2855Met)

Gene: CDH23 (cadherin related 23; plus strand). Cytogenetic location: 10q22.1.
Variant type: single nucleotide variant.
Coding change: c.8563G>A on transcript NM_022124.6 (MANE Select); coding-DNA position 8563, G replaced by A.
Protein change: p.Val2855Met; replaces valine 2855 with methionine.
Molecular consequence: missense variant.
Genome position (GRCh38, 1-based): chr10:71,807,848, G>A. VCF-style: chr10-71807848-G-A. GRCh37 (hg19) VCF-style: chr10-73567605-G-A.
Other names: c.1843G>A, p.Val615Met (NM_001171933.1, NM_001171934.1); short protein forms V615M, V2855M.
Identifiers: ClinVar variation 1355221 (VCV001355221.8), dbSNP rs751501169, ClinGen allele CA5546690.